The following is an entry in ClinVar:

ClinVar aggregate classification (germline): Likely pathogenic (0 of 4 stars; one submission).

Conditions:
GREB1L-related disorder. Also called: GREB1L-related condition.

Submission:

PreventionGenetics, part of Exact Sciences
Classification: Likely pathogenic for GREB1L-related condition. Last evaluated: 2024-07-18. Review status: no assertion criteria provided. Collection method: clinical testing. Allele origin: germline.
Comment: The GREB1L c.3488dupT variant is predicted to result in a frameshift and premature protein termination (p.Leu1163Phefs*5). To our knowledge, this variant has not been reported in the literature or in a large population database, indicating this variant is rare. Frameshift variants in GREB1L are expected to be pathogenic. This variant is interpreted as likely pathogenic.

NM_001142966.3(GREB1L):c.3488dup (p.Leu1163fs)

Gene: GREB1L (GREB1 like retinoic acid receptor coactivator; plus strand). Cytogenetic location: 18q11.1.
Variant type: Duplication.
Coding change: c.3488dup on transcript NM_001142966.3 (MANE Select); coding-DNA position 3488, one base duplicated (T; older notation c.3488dupT).
Protein change: p.Leu1163fs; shifts the reading frame from leucine 1163.
Molecular consequence: frameshift variant.
Genome position (GRCh38, 1-based): chr18:21,499,825, T duplicated; the last of 2 consecutive T bases (chr18:21,499,824-21,499,825); duplicating either gives the same sequence. VCF-style (leftmost placement, unchanged base first): chr18-21499823-C-CT. GRCh37 (hg19) VCF-style: chr18-19079784-C-CT.
Other names: c.3617dup, p.Leu1206fs (NM_001410867.1); c.3161dup, p.Leu1054fs (NM_001410868.1); short protein forms L1054fs, L1163fs, L1206fs.
Identifiers: ClinVar variation 3344103 (VCV003344103.1).
Genomic context (GRCh38, chr18:21,499,823, plus strand): 5'-CACAGCTGACAAGTCCCAGAAGCAGTCCCTGACCCCCAGCTTTCAGAGCCCAGCCACCAG[C>CT]TTGGGGCTGGATGAAGGGGTCTCCGCCAGCTCAGCTGGAGCCGGAGCCGGGGAGACTCTG-3'